The following is an entry in ClinVar:

ClinVar aggregate classification (germline): Uncertain significance. Review status: criteria provided, multiple submitters, no conflicts (2 of 4 stars). 2 submissions from 2 submitters: Uncertain significance (2). Last evaluated 2023-11-29.

Conditions:
Inborn genetic diseases. Identifiers: MedGen C0950123, MeSH D030342.

Submissions (2):

Ambry Genetics
Classification: Uncertain significance for Inborn genetic diseases. Last evaluated: 2023-11-29. Review status: criteria provided, single submitter. Criteria: Ambry Variant Classification Scheme 2023. Collection method: clinical testing. Allele origin: germline.

Labcorp Genetics (formerly Invitae), Labcorp
Classification: Uncertain significance. Last evaluated: 2022-08-09. Review status: criteria provided, single submitter. Criteria: Invitae Variant Classification Sherloc (09022015). Collection method: clinical testing. Allele origin: germline.
Comment: This sequence change replaces aspartic acid, which is acidic and polar, with asparagine, which is neutral and polar, at codon 146 of the TCIRG1 protein (p.Asp146Asn). This variant is present in population databases (no rsID available, gnomAD 0.03%). This variant has not been reported in the literature in individuals affected with TCIRG1-related conditions. Algorithms developed to predict the effect of missense changes on protein structure and function (SIFT, PolyPhen-2, Align-GVGD) all suggest that this variant is likely to be tolerated. In summary, the available evidence is currently insufficient to determine the role of this variant in disease. Therefore, it has been classified as a Variant of Uncertain Significance.

NM_006019.4(TCIRG1):c.436G>A (p.Asp146Asn)

Gene: TCIRG1 (T cell immune regulator 1, ATPase H+ transporting V0 subunit a3; plus strand). Cytogenetic location: 11q13.2.
Variant type: single nucleotide variant.
Coding change: c.436G>A on transcript NM_006019.4 (MANE Select); coding-DNA position 436, G replaced by A.
Protein change: p.Asp146Asn; replaces aspartic acid 146 with asparagine.
Molecular consequence: missense variant. On other transcripts: 5 prime UTR variant (1).
Genome position (GRCh38, 1-based): chr11:68,042,964, G>A. VCF-style: chr11-68042964-G-A. GRCh37 (hg19) VCF-style: chr11-67810431-G-A.
Other names: c.-814G>A (NM_001351059.2); c.436G>A (NM_006019.3); short protein forms D146N.
Identifiers: ClinVar variation 2054270 (VCV002054270.2), dbSNP rs986723688, ClinGen allele CA224203234.